The following is an entry in ClinVar:

ClinVar aggregate classification (germline): Uncertain significance. Review status: criteria provided, multiple submitters, no conflicts (2 of 4 stars). 5 submissions from 3 submitters: Uncertain significance (5). Last evaluated 2021-09-01.

Conditions:
Charcot-Marie-Tooth disease axonal type 2X. Also called: CHARCOT-MARIE-TOOTH DISEASE, AXONAL, AUTOSOMAL RECESSIVE, TYPE 2X; CHARCOT-MARIE-TOOTH NEUROPATHY, TYPE 2X. Identifiers: Orphanet 466775, MedGen C5569024, MONDO:0014726, OMIM 616668.
Amyotrophic lateral sclerosis type 5 (ALS5). Also called: AMYOTROPHIC LATERAL SCLEROSIS 5, JUVENILE. Identifiers: Orphanet 300605, MedGen C1865864, MONDO:0011196, OMIM 602099.
Hereditary spastic paraplegia. Also called: Familial spastic paraparesis. Identifiers: Orphanet 685, MedGen C0037773, MONDO:0019064. Disease mechanism: loss of function.
Hereditary spastic paraplegia 11. Also called: SPASTIC PARAPLEGIA, AUTOSOMAL RECESSIVE, COMPLICATED, WITH THIN CORPUS CALLOSUM; SPASTIC PARAPLEGIA, AUTOSOMAL RECESSIVE, WITH MENTAL IMPAIRMENT AND THIN CORPUS CALLOSUM; Spastic Paraplegia 11; Spastic paraplegia, mental retardation and thin corpus callosum; Nakamura Osame syndrome; Autosomal recessive hereditary spastic paraplegia, mental impairment, and thin corpus callosum. Identifiers: Orphanet 2822, MedGen C1858479, MONDO:0011445, OMIM 604360.

Allele frequency attached by ClinVar (database versions not stated): gnomAD 0.00001; gnomAD exomes 0.00001.
gnomAD v4.1: 6 of 1,614,074 alleles (0.00037%); highest among the groups gnomAD compares: African/African-American, 0.0013%; no homozygotes.

Submissions (5):

Labcorp Genetics (formerly Invitae), Labcorp
Classification: Uncertain significance for Hereditary spastic paraplegia 11. Last evaluated: 2021-09-01. Review status: criteria provided, single submitter. Criteria: Invitae Variant Classification Sherloc (09022015). Collection method: clinical testing. Allele origin: germline.
Comment: This sequence change replaces arginine with serine at codon 1896 of the SPG11 protein (p.Arg1896Ser). The arginine residue is highly conserved and there is a moderate physicochemical difference between arginine and serine. This variant is not present in population databases (ExAC no frequency). This variant has not been reported in the literature in individuals affected with SPG11-related conditions. Algorithms developed to predict the effect of missense changes on protein structure and function (SIFT, PolyPhen-2, Align-GVGD) all suggest that this variant is likely to be disruptive. In summary, the available evidence is currently insufficient to determine the role of this variant in disease. Therefore, it has been classified as a Variant of Uncertain Significance.

Genome Diagnostics Laboratory, The Hospital for Sick Children
Classification: Uncertain significance for Hereditary spastic paraplegia. Last evaluated: 2017-08-10. Review status: criteria provided, single submitter. Criteria: ACMG Guidelines, 2015. Collection method: clinical testing. Allele origin: germline. Affected: yes.

Genome-Nilou Lab
Classification: Uncertain significance for Amyotrophic lateral sclerosis type 5. Review status: criteria provided, single submitter. Criteria: ACMG Guidelines, 2015. Collection method: clinical testing. Allele origin: germline.

Genome-Nilou Lab
Classification: Uncertain significance for Charcot-Marie-Tooth disease axonal type 2X. Review status: criteria provided, single submitter. Criteria: ACMG Guidelines, 2015. Collection method: clinical testing. Allele origin: germline.

Genome-Nilou Lab
Classification: Uncertain significance for Hereditary spastic paraplegia 11. Review status: criteria provided, single submitter. Criteria: ACMG Guidelines, 2015. Collection method: clinical testing. Allele origin: germline.

NM_025137.4(SPG11):c.5688A>C (p.Arg1896Ser)

Gene: SPG11 (SPG11 vesicle trafficking associated, spatacsin; minus strand). Cytogenetic location: 15q21.1.
Variant type: single nucleotide variant.
Coding change: c.5688A>C on transcript NM_025137.4 (MANE Select); coding-DNA position 5688, A replaced by C.
Protein change: p.Arg1896Ser; replaces arginine 1896 with serine.
Molecular consequence: missense variant.
Genome position (GRCh38, 1-based): chr15:44,583,992, T>G on the plus strand (A>C on the coding strand, the complement: SPG11 is on the minus strand). VCF-style: chr15-44583992-T-G. GRCh37 (hg19) VCF-style: chr15-44876190-T-G.
Other names: c.5688A>C, p.Arg1896Ser (NM_001160227.2); short protein forms R1896S.
Identifiers: ClinVar variation 1014205 (VCV001014205.10), dbSNP rs2082706047, ClinGen allele CA392221666.